The following is an entry in ClinVar:

ClinVar aggregate classification (germline): Uncertain significance (1 of 4 stars; one submission).

Conditions:
Dyskeratosis congenita. Identifiers: Orphanet 1775, MedGen C0265965, MONDO:0015780.

Allele frequency attached by ClinVar (database versions not stated): gnomAD exomes below 0.00001.
gnomAD v4.1: 1 of 1,614,018 alleles (0.000062%); highest among the groups gnomAD compares: Non-Finnish European, 0.000085%; no homozygotes.

Submission:

Labcorp Genetics (formerly Invitae), Labcorp
Classification: Uncertain significance for Dyskeratosis congenita. Last evaluated: 2022-07-23. Review status: criteria provided, single submitter. Criteria: Invitae Variant Classification Sherloc (09022015). Collection method: clinical testing. Allele origin: germline.
Comment: In summary, the available evidence is currently insufficient to determine the role of this variant in disease. Therefore, it has been classified as a Variant of Uncertain Significance. Algorithms developed to predict the effect of sequence changes on RNA splicing suggest that this variant may disrupt the consensus splice site. This variant has not been reported in the literature in individuals affected with CTC1-related conditions. This variant is not present in population databases (gnomAD no frequency). This sequence change affects codon 22 of the CTC1 mRNA. It is a 'silent' change, meaning that it does not change the encoded amino acid sequence of the CTC1 protein.

NM_025099.6(CTC1):c.66C>T (p.Phe22=)

Gene: CTC1 (CST telomere replication complex component 1; minus strand). Cytogenetic location: 17p13.1.
Variant type: single nucleotide variant.
Coding change: c.66C>T on transcript NM_025099.6 (MANE Select); coding-DNA position 66, C replaced by T.
Protein change: p.Phe22=; no amino-acid change (phenylalanine 22 retained).
Molecular consequence: synonymous variant. On other transcripts: non-coding transcript variant (1).
Genome position (GRCh38, 1-based): chr17:8,243,116, G>A on the plus strand (C>T on the coding strand, the complement: CTC1 is on the minus strand). VCF-style: chr17-8243116-G-A. GRCh37 (hg19) VCF-style: chr17-8146434-G-A.
Other names: c.66C>T, p.Phe22= (NM_001411067.1).
Identifiers: ClinVar variation 1962529 (VCV001962529.5), dbSNP rs1360312979, ClinGen allele CA497783899.
Genomic context (GRCh38, chr17:8,243,116, plus strand): 5'-TACCAATGGAGTCAACTGGACATTAGGCTCCTTGACAGCTGGACACAGGGTCTTTTGGAT[G>A]AAGACCTGAGCATCCTCAAGCCAGGCTTGTTCCTGAGGAAAGTGAATTTAGTTAAAACAT-3'
Protein context (NP_079375.3, residues 12-32): EQAWLEDAQV[Phe22=]IQKTLCPAVK